The following is an entry in ClinVar:

NM_004204.5(PIGQ):c.197G>A (p.Trp66Ter)

Gene: PIGQ (phosphatidylinositol glycan anchor biosynthesis class Q; plus strand). Cytogenetic location: 16p13.3.
Variant type: single nucleotide variant.
Coding change: c.197G>A on transcript NM_004204.5 (MANE Select); coding-DNA position 197, G replaced by A.
Protein change: p.Trp66Ter; replaces tryptophan 66 with a stop codon.
Molecular consequence: nonsense.
Genome position (GRCh38, 1-based): chr16:574,271, G>A. VCF-style: chr16-574271-G-A. GRCh37 (hg19) VCF-style: chr16-624271-G-A.
Other names: c.197G>A, p.Trp66Ter (NM_148920.4); short protein forms W66*.
Identifiers: ClinVar variation 4776341 (VCV004776341.1).

ClinVar aggregate classification (germline): Pathogenic (1 of 4 stars; one submission).

Conditions:
Epilepsy. Also called: Seizure disorder. Identifiers: MedGen C0014544, MeSH D004827, MONDO:0005027.

Submission:

Labcorp Genetics (formerly Invitae), Labcorp
Classification: Pathogenic for Epilepsy. Last evaluated: 2025-05-30. Review status: criteria provided, single submitter. Criteria: Invitae Variant Classification Sherloc (09022015). Collection method: clinical testing. Allele origin: germline.
Comment: This sequence change creates a premature translational stop signal (p.Trp66*) in the PIGQ gene. It is expected to result in an absent or disrupted protein product. Loss-of-function variants in PIGQ are known to be pathogenic (PMID: 24463883, 25558065). This variant is not present in population databases (gnomAD no frequency). This variant has not been reported in the literature in individuals affected with PIGQ-related conditions. For these reasons, this variant has been classified as Pathogenic.

Literature cited by the submitters: PubMed 24463883; PubMed 25558065.